The following is an entry in ClinVar:

NM_001184880.2(PCDH19):c.1133C>G (p.Ser378Ter)

Gene: PCDH19 (protocadherin 19; minus strand). Cytogenetic location: Xq22.1.
Variant type: single nucleotide variant.
Coding change: c.1133C>G on transcript NM_001184880.2 (MANE Select); coding-DNA position 1133, C replaced by G.
Protein change: p.Ser378Ter; replaces serine 378 with a stop codon.
Molecular consequence: nonsense.
Genome position (GRCh38, 1-based): chrX:100,407,465, G>C on the plus strand (C>G on the coding strand, the complement: PCDH19 is on the minus strand). VCF-style: chrX-100407465-G-C. GRCh37 (hg19) VCF-style: chrX-99662463-G-C.
Other names: c.1133C>G, p.Ser378Ter (NM_001105243.2, NM_020766.3); short protein forms S378*.
Identifiers: ClinVar variation 447916 (VCV000447916.12), dbSNP rs1555985301, ClinGen allele CA414004055.

ClinVar aggregate classification (germline): Pathogenic. Review status: criteria provided, multiple submitters, no conflicts (2 of 4 stars). 4 submissions from 4 submitters: Pathogenic (4). Last evaluated 2022-12-06.

Conditions:
Developmental and epileptic encephalopathy, 9 (DEE9). Also called: Early infantile epileptic encephalopathy 9; EPILEPSY, FEMALE-RESTRICTED, WITH MENTAL RETARDATION; PCDH19-Related X-Linked Female-Limited Epilepsy with Mental Retardation; JUBERG-HELLMAN SYNDROME. Identifiers: Orphanet 101039, Orphanet 2076, MedGen C1848137, MONDO:0010246, OMIM 300088. Disease mechanism: loss of function.

Submissions (4):

Labcorp Genetics (formerly Invitae), Labcorp
Classification: Pathogenic for Developmental and epileptic encephalopathy, 9. Last evaluated: 2022-12-06. Review status: criteria provided, single submitter. Criteria: Invitae Variant Classification Sherloc (09022015). Collection method: clinical testing. Allele origin: germline.
Comment: For these reasons, this variant has been classified as Pathogenic. ClinVar contains an entry for this variant (Variation ID: 447916). This premature translational stop signal has been observed in individual(s) with clinical features of early infantile epileptic encephalopathy (PMID: 30287595). This variant is not present in population databases (gnomAD no frequency). This sequence change creates a premature translational stop signal (p.Ser378*) in the PCDH19 gene. It is expected to result in an absent or disrupted protein product. Loss-of-function variants in PCDH19 are known to be pathogenic (PMID: 21053371).

Laboratory of Inherited Metabolic Diseases, Research centre for medical genetics
Classification: Pathogenic for Developmental and epileptic encephalopathy, 9. Last evaluated: 2020-02-14. Review status: criteria provided, single submitter. Criteria: ACMG Guidelines, 2015. Collection method: clinical testing. Allele origin: unknown. Inheritance: Sex-limited autosomal dominant. Affected: yes.

GeneDx
Classification: Pathogenic. Last evaluated: 2018-09-27. Review status: criteria provided, single submitter. Criteria: GeneDx Variant Classification (06012015). Collection method: clinical testing. Allele origin: germline. Affected: yes.
Comment: The S378X nonsense variant in the PCDH19 gene is predicted to cause loss of normal protein function either through protein truncation or nonsense-mediated mRNA decay. The S378X variant is not observed in large population cohorts (Lek et al., 2016).

Athena Diagnostics
Classification: Pathogenic. Last evaluated: 2017-03-30. Review status: criteria provided, single submitter. Criteria: Athena Diagnostics Criteria. Collection method: clinical testing. Allele origin: germline.

Literature cited by the submitters: PubMed 30287595 (cited by Labcorp Genetics (formerly Invitae), Labcorp); PubMed 21053371 (cited by Labcorp Genetics (formerly Invitae), Labcorp).